The following is an entry in ClinVar:

ClinVar aggregate classification (germline): Uncertain significance. Review status: criteria provided, multiple submitters, no conflicts (2 of 4 stars). 2 submissions from 2 submitters: Uncertain significance (2). Last evaluated 2025-11-11.

Conditions:
Arrhythmogenic cardiomyopathy with wooly hair and keratoderma. Also called: PALMOPLANTAR KERATODERMA WITH LEFT VENTRICULAR CARDIOMYOPATHY AND WOOLLY HAIR; Carvajal syndrome; Dilated cardiomyopathy with woolly hair and keratoderma; Arrhythmogenic cardiomyopathy with woolly hair and keratoderma. Identifiers: Orphanet 65282, MedGen C1854063, MONDO:0011581, OMIM 605676.
Arrhythmogenic right ventricular dysplasia 8 (ARVD8). Also called: ARRHYTHMOGENIC RIGHT VENTRICULAR DYSPLASIA, FAMILIAL, 8; ARRHYTHMOGENIC RIGHT VENTRICULAR CARDIOMYOPATHY 8; Arrhythmogenic Right Ventricular Dysplasia/Cardiomyopathy 8. Identifiers: MedGen C1843896, MONDO:0011831, OMIM 607450.

Submissions (2):

Labcorp Genetics (formerly Invitae), Labcorp
Classification: Uncertain significance for Arrhythmogenic cardiomyopathy with wooly hair and keratoderma; Arrhythmogenic right ventricular dysplasia 8. Last evaluated: 2025-11-11. Review status: criteria provided, single submitter. Criteria: Invitae Variant Classification Sherloc (09022015). Collection method: clinical testing. Allele origin: germline.
Comment: This sequence change replaces glutamic acid, which is acidic and polar, with glutamine, which is neutral and polar, at codon 2588 of the DSP protein (p.Glu2588Gln). This variant is not present in population databases (gnomAD no frequency). This variant has not been reported in the literature in individuals affected with DSP-related conditions. ClinVar contains an entry for this variant (Variation ID: 3072358). An algorithm developed to predict the effect of missense changes on protein structure and function (PolyPhen-2) suggests that this variant is likely to be tolerated. In summary, the available evidence is currently insufficient to determine the role of this variant in disease. Therefore, it has been classified as a Variant of Uncertain Significance.

All of Us Research Program, National Institutes of Health
Classification: Uncertain significance for Arrhythmogenic cardiomyopathy with wooly hair and keratoderma. Last evaluated: 2023-07-10. Review status: criteria provided, single submitter. Criteria: ACMG Guidelines, 2015. Collection method: clinical testing. Allele origin: germline. Inheritance: Autosomal dominant inheritance. Observed: 1 variant allele, 1 heterozygote.
Comment: This missense variant replaces glutamic acid with glutamine at codon 2588 of the DSP protein. Computational prediction suggests that this variant may not impact protein structure and function (internally defined REVEL score threshold <= 0.5, PMID: 27666373). To our knowledge, functional studies have not been reported for this variant. This variant has not been reported in individuals affected with DSP-related disorders in the literature. This variant has not been identified in the general population by the Genome Aggregation Database (gnomAD). The available evidence is insufficient to determine the role of this variant in disease conclusively. Therefore, this variant is classified as a Variant of Uncertain Significance.

This study involves interpretation of variants in research participants for the purpose of population health screening. Participant phenotype was not available at the time of variant classification. Additional details can be found in publication PMID: 35346344, PMCID: PMC8962531

NM_004415.4(DSP):c.7762G>C (p.Glu2588Gln)

Gene: DSP (desmoplakin; plus strand). Cytogenetic location: 6p24.3.
Variant type: single nucleotide variant.
Coding change: c.7762G>C on transcript NM_004415.4 (MANE Select); coding-DNA position 7762, G replaced by C.
Protein change: p.Glu2588Gln; replaces glutamic acid 2588 with glutamine.
Molecular consequence: missense variant.
Genome position (GRCh38, 1-based): chr6:7,585,024, G>C. VCF-style: chr6-7585024-G-C. GRCh37 (hg19) VCF-style: chr6-7585257-G-C.
Other names: c.5965G>C, p.Glu1989Gln (NM_001008844.3); c.6433G>C, p.Glu2145Gln (NM_001319034.2); short protein forms E1989Q, E2145Q, E2588Q.
Identifiers: ClinVar variation 3072358 (VCV003072358.2), dbSNP rs763971574, ClinGen allele CA362693722.
Genomic context (GRCh38, chr6:7,585,024, plus strand): 5'-GGCACCAGCAGCAGCATGGGCAGTGGTGTCAGCGATGATGTTTTTAGCAGCTCCCGACAT[G>C]AATCAGTAAGTAAGATTTCCACCATATCCAGCGTCAGGAATTTAACCATAAGGAGCAGCT-3'
Protein context (NP_004406.2, residues 2578-2598): SDDVFSSSRH[Glu2588Gln]SVSKISTISS